The following is an entry in ClinVar:

NM_000334.4(SCN4A):c.5156C>G (p.Thr1719Ser)

Genes: GH-LCR (growth hormone locus control region; plus strand), SCN4A (sodium voltage-gated channel alpha subunit 4; minus strand). Cytogenetic location: 17q23.3.
Variant type: single nucleotide variant.
Coding change: c.5156C>G on transcript NM_000334.4 (MANE Select); coding-DNA position 5156, C replaced by G.
Protein change: p.Thr1719Ser; replaces threonine 1719 with serine.
Molecular consequence: missense variant.
Genome position (GRCh38, 1-based): chr17:63,941,126, G>C on the plus strand (C>G on the coding strand, the complement: SCN4A is on the minus strand). VCF-style: chr17-63941126-G-C. GRCh37 (hg19) VCF-style: chr17-62018486-G-C.
Other names: short protein forms T1719S.
Identifiers: ClinVar variation 3256756 (VCV003256756.3).

ClinVar aggregate classification (germline): Uncertain significance. Review status: criteria provided, single submitter (1 of 4 stars). 2 submissions from 2 submitters: Uncertain significance (1). 1 of the submissions does not count toward it. Last evaluated 2024-01-30.

Conditions:
Hyperkalemic periodic paralysis. Also called: Gamstorp disease; Familial hyperkalemic periodic paralysis. Identifiers: Orphanet 682, MedGen C0238357, MONDO:0008224, OMIM 170500, HP:0007215.
Potassium-aggravated myotonia. Also called: MYOTONIA CONGENITA, ACETAZOLAMIDE-RESPONSIVE; MYOTONIA CONGENITA, ATYPICAL; SODIUM CHANNEL MUSCLE DISEASE; Myotonia congenita, atypical, acetazolamide-responsive. Identifiers: Orphanet 612, Orphanet 99734, Orphanet 99735, Orphanet 99736, MedGen C2931826, MONDO:0018959, OMIM 608390.

gnomAD v4.1: 1 of 1,613,940 alleles (0.000062%); highest among the groups gnomAD compares: East Asian, 0.0022%; no homozygotes.

Submissions (2):

Labcorp Genetics (formerly Invitae), Labcorp
Classification: Uncertain significance for Hyperkalemic periodic paralysis. Last evaluated: 2024-01-30. Review status: criteria provided, single submitter. Criteria: Invitae Variant Classification Sherloc (09022015). Collection method: clinical testing. Allele origin: germline.
Comment: This sequence change replaces threonine, which is neutral and polar, with serine, which is neutral and polar, at codon 1719 of the SCN4A protein (p.Thr1719Ser). This variant is not present in population databases (gnomAD no frequency). This missense change has been observed in individual(s) with clinical features of autosomal recessive SCN4A-related conditions (PMID: 34749429). Advanced modeling of protein sequence and biophysical properties (such as structural, functional, and spatial information, amino acid conservation, physicochemical variation, residue mobility, and thermodynamic stability) performed at Invitae indicates that this missense variant is not expected to disrupt SCN4A protein function with a negative predictive value of 95%. In summary, the available evidence is currently insufficient to determine the role of this variant in disease. Therefore, it has been classified as a Variant of Uncertain Significance.

Solve-RD Consortium
Classification: Likely pathogenic for Potassium-aggravated myotonia. Last evaluated: 2022-06-01. Review status: no assertion criteria provided. Collection method: provider interpretation. Allele origin: inherited. Affected: yes. Not counted in ClinVar's aggregate classification.
Comment: Variant confirmed as disease-causing by referring clinical team

Variant identified during reanalysis of unsolved cases by the Solve-RD project. The Solve-RD project has received funding from the European Union’s Horizon 2020 research and innovation programme under grant agreement No 779257.

Literature cited by the submitters: PubMed 34749429 (cited by Labcorp Genetics (formerly Invitae), Labcorp); PubMed 39825153 (cited by Solve-RD Consortium).